The following is an entry in ClinVar:

NM_000057.4(BLM):c.958A>G (p.Ser320Gly)

Gene: BLM (BLM RecQ like helicase; plus strand). Cytogenetic location: 15q26.1.
Variant type: single nucleotide variant.
Coding change: c.958A>G on transcript NM_000057.4 (MANE Select); coding-DNA position 958, A replaced by G.
Protein change: p.Ser320Gly; replaces serine 320 with glycine.
Molecular consequence: missense variant. On other transcripts: 5 prime UTR variant (1).
Genome position (GRCh38, 1-based): chr15:90,751,945, A>G. VCF-style: chr15-90751945-A-G. GRCh37 (hg19) VCF-style: chr15-91295175-A-G.
Other names: c.958A>G, p.Ser320Gly (NM_001287246.2, NM_001287247.2); c.-334A>G (NM_001287248.2); short protein forms S320G.
Identifiers: ClinVar variation 3572445 (VCV003572445.2).

ClinVar aggregate classification (germline): Uncertain significance. Review status: criteria provided, multiple submitters, no conflicts (2 of 4 stars). 2 submissions from 2 submitters: Uncertain significance (2). Last evaluated 2025-03-18.

Conditions:
Bloom syndrome (BLM). Also called: Bloom-Torre-Machacek syndrome. Identifiers: Orphanet 125, MedGen C0005859, MONDO:0008876, OMIM 210900.

Submissions (2):

Labcorp Genetics (formerly Invitae), Labcorp
Classification: Uncertain significance for Bloom syndrome. Last evaluated: 2025-03-18. Review status: criteria provided, single submitter. Criteria: Invitae Variant Classification Sherloc (09022015). Collection method: clinical testing. Allele origin: germline.
Comment: This sequence change replaces serine, which is neutral and polar, with glycine, which is neutral and non-polar, at codon 320 of the BLM protein (p.Ser320Gly). This variant is not present in population databases (gnomAD no frequency). This variant has not been reported in the literature in individuals affected with BLM-related conditions. ClinVar contains an entry for this variant (Variation ID: 3572445). An algorithm developed to predict the effect of missense changes on protein structure and function (PolyPhen-2) suggests that this variant is likely to be tolerated. In summary, the available evidence is currently insufficient to determine the role of this variant in disease. Therefore, it has been classified as a Variant of Uncertain Significance.

GeneDx
Classification: Uncertain significance. Last evaluated: 2024-07-12. Review status: criteria provided, single submitter. Criteria: GeneDx Variant Classification Process June 2021. Collection method: clinical testing. Allele origin: germline. Affected: yes.
Comment: Not observed at significant frequency in large population cohorts (gnomAD); In silico analysis indicates that this missense variant does not alter protein structure/function; Has not been previously published as pathogenic or benign to our knowledge